The following is an entry in ClinVar:

ClinVar aggregate classification (germline): Uncertain significance (1 of 4 stars; one submission).

gnomAD v4.1: 34 of 1,236,544 alleles (0.0027%); highest among the groups gnomAD compares: Non-Finnish European, 0.0034%; no homozygotes.

Submission:

Labcorp Genetics (formerly Invitae), Labcorp
Classification: Uncertain significance. Last evaluated: 2023-10-22. Review status: criteria provided, single submitter. Criteria: Invitae Variant Classification Sherloc (09022015). Collection method: clinical testing. Allele origin: germline.
Comment: This sequence change replaces alanine, which is neutral and non-polar, with valine, which is neutral and non-polar, at codon 61 of the SIX5 protein (p.Ala61Val). This variant is not present in population databases (gnomAD no frequency). This variant has not been reported in the literature in individuals affected with SIX5-related conditions. Advanced modeling of protein sequence and biophysical properties (such as structural, functional, and spatial information, amino acid conservation, physicochemical variation, residue mobility, and thermodynamic stability) performed at Invitae indicates that this missense variant is not expected to disrupt SIX5 protein function. In summary, the available evidence is currently insufficient to determine the role of this variant in disease. Therefore, it has been classified as a Variant of Uncertain Significance.

NM_175875.5(SIX5):c.182C>T (p.Ala61Val)

Genes: DM1-AS (DM1 locus antisense RNA; plus strand), SIX5 (SIX homeobox 5; minus strand), LOC107075317 (origin of replication in DMPK trinucleotide repeat region; plus strand), LOC129929037 (ATAC-STARR-seq lymphoblastoid silent region 10794; plus strand). Cytogenetic location: 19q13.32.
Variant type: single nucleotide variant.
Coding change: c.182C>T on transcript NM_175875.5 (MANE Select); coding-DNA position 182, C replaced by T.
Protein change: p.Ala61Val; replaces alanine 61 with valine.
Molecular consequence: missense variant.
Genome position (GRCh38, 1-based): chr19:45,768,663, G>A on the plus strand (C>T on the coding strand, the complement: SIX5 is on the minus strand). VCF-style: chr19-45768663-G-A. GRCh37 (hg19) VCF-style: chr19-46271921-G-A.
Other names: short protein forms A61V.
Identifiers: ClinVar variation 2967651 (VCV002967651.3), dbSNP rs1350474618, ClinGen allele CA406424429.
Genomic context (GRCh38, chr19:45,768,663, plus strand): 5'-GGCGGTTCGGAAGCGGCCTCGGGGGGCGACCCGGGGACGCCCGGGGATCCCGGGCCCTCA[G>A]CTCCCGCAGCCGCTGCGCCCGCCCCGGCCCCGGCCGCCGCCGCCGCCTCACCCTCGGCCG-3'
Protein context (NP_787071.3, residues 51-71): GAGAGAAAAG[Ala61Val]EGPGSPGVPG